The following is an entry in ClinVar:

ClinVar aggregate classification (germline): Uncertain significance (1 of 4 stars; one submission).

Submission:

Labcorp Genetics (formerly Invitae), Labcorp
Classification: Uncertain significance. Last evaluated: 2025-09-02. Review status: criteria provided, single submitter. Criteria: Invitae Variant Classification Sherloc (09022015). Collection method: clinical testing. Allele origin: germline.
Comment: This sequence change falls in intron 38 of the RTTN gene. It does not directly change the encoded amino acid sequence of the RTTN protein. It affects a nucleotide within the consensus splice site. This variant is present in population databases (rs764191114, gnomAD 0.02%). This variant has not been reported in the literature in individuals affected with RTTN-related conditions. Variants that disrupt the consensus splice site are a relatively common cause of aberrant splicing (PMID: 17576681, 9536098). In summary, the available evidence is currently insufficient to determine the role of this variant in disease. Therefore, it has been classified as a Variant of Uncertain Significance.

Literature cited by the submitters: PubMed 17576681; PubMed 9536098.

NM_173630.4(RTTN):c.5185+6_5185+32del

Gene: RTTN (rotatin; minus strand). Cytogenetic location: 18q22.2.
Variant type: Deletion.
Coding change: c.5185+6_5185+32del on transcript NM_173630.4 (MANE Select); bases 6 to 32 of the intron after coding-DNA position 5185, 27 bases deleted (CTTAATTGTTTTAGTTTAGAATGTAAG).
Molecular consequence: splice donor variant.
Genome position (GRCh38, 1-based): chr18:70,054,099-70,054,125, CTTACATTCTAAACTAAAACAATTAAG deleted on the plus strand (CTTAATTGTTTTAGTTTAGAATGTAAG on the coding strand, the reverse complement: RTTN is on the minus strand); deleting any 27 consecutive bases within chr18:70,054,099-70,054,130 gives the same sequence; the c. name uses the placement nearest the transcript's 3' end. VCF-style (leftmost placement, unchanged base first): chr18-70054098-ACTTACATTCTAAACTAAAACAATTAAG-A. GRCh37 (hg19) VCF-style: chr18-67721334-ACTTACATTCTAAACTAAAACAATTAAG-A.
Other names: c.2449+6_2449+32del (NM_001318520.2).
Identifiers: ClinVar variation 4697037 (VCV004697037.1).